The following is an entry in ClinVar:

NM_001205293.3(CACNA1E):c.5785C>T (p.Leu1929=)

Gene: CACNA1E (calcium voltage-gated channel subunit alpha1 E; plus strand). Cytogenetic location: 1q25.3.
Variant type: single nucleotide variant.
Coding change: c.5785C>T on transcript NM_001205293.3 (MANE Select); coding-DNA position 5785, C replaced by T.
Protein change: p.Leu1929=; no amino-acid change (leucine 1929 retained).
Molecular consequence: synonymous variant.
Genome position (GRCh38, 1-based): chr1:181,785,818, C>T. VCF-style: chr1-181785818-C-T. GRCh37 (hg19) VCF-style: chr1-181754954-C-T.
Other names: c.5785C>T, p.Leu1929= (NM_000721.4); c.5728C>T, p.Leu1910= (NM_001205294.2).
Identifiers: ClinVar variation 2836656 (VCV002836656.3), dbSNP rs2529258146, ClinGen allele CA422091961.

ClinVar aggregate classification (germline): Uncertain significance (1 of 4 stars; one submission).

Submission:

Labcorp Genetics (formerly Invitae), Labcorp
Classification: Uncertain significance. Last evaluated: 2023-02-13. Review status: criteria provided, single submitter. Criteria: Invitae Variant Classification Sherloc (09022015). Collection method: clinical testing. Allele origin: germline.
Comment: This sequence change affects codon 1929 of the CACNA1E mRNA. It is a 'silent' change, meaning that it does not change the encoded amino acid sequence of the CACNA1E protein. It affects a nucleotide within the consensus splice site. This variant is not present in population databases (gnomAD no frequency). This variant has not been reported in the literature in individuals affected with CACNA1E-related conditions. Algorithms developed to predict the effect of sequence changes on RNA splicing suggest that this variant is not likely to affect RNA splicing. In summary, the available evidence is currently insufficient to determine the role of this variant in disease. Therefore, it has been classified as a Variant of Uncertain Significance.